The following is an entry in ClinVar:

NM_007294.4(BRCA1):c.5387C>G (p.Ser1796Ter)

Gene: BRCA1 (BRCA1 DNA repair associated; minus strand). Cytogenetic location: 17q21.31.
Variant type: single nucleotide variant.
Coding change: c.5387C>G on transcript NM_007294.4 (MANE Select); coding-DNA position 5387, C replaced by G.
Protein change: p.Ser1796Ter; replaces serine 1796 with a stop codon.
Molecular consequence: nonsense. On other transcripts: non-coding transcript variant (1), intron variant (1).
Genome position (GRCh38, 1-based): chr17:43,049,140, G>C on the plus strand (C>G on the coding strand, the complement: BRCA1 is on the minus strand). VCF-style: chr17-43049140-G-C. GRCh37 (hg19) VCF-style: chr17-41201157-G-C.
Other names: c.1955C>G, p.Ser652Ter (NM_001408430.1, NM_001408431.1, NM_001408425.1 and 4 more transcripts); c.1952C>G, p.Ser651Ter (NM_001408432.1, NM_001408433.1, NM_001408434.1 and 10 more transcripts); c.1949C>G, p.Ser650Ter (NM_001408450.1, NM_001408445.1, NM_001408446.1 and 2 more transcripts); c.1943C>G, p.Ser648Ter (NM_001408451.1); c.1937C>G, p.Ser646Ter (NM_001408452.1, NM_001408453.1, NM_001408454.1 and 3 more transcripts); c.1934C>G, p.Ser645Ter (NM_001408458.1, NM_001408459.1, NM_001408460.1 and 7 more transcripts); c.1931C>G, p.Ser644Ter (NM_001408469.1, NM_001408470.1, NM_001408468.1); c.1877C>G, p.Ser626Ter (NM_001408474.1); and 73 more; short protein forms S1817*, S692*, S1796*, S1749*, S1668*, S1683*, S1753*, S1755*.
Identifiers: ClinVar variation 868408 (VCV000868408.6), dbSNP rs80357055, ClinGen allele CA10590700.

ClinVar aggregate classification (germline): Pathogenic (1 of 4 stars; one submission).

Conditions:
Hereditary cancer-predisposing syndrome. Also called: Neoplastic Syndromes, Hereditary; Tumor predisposition; Hereditary Cancer Syndrome; Hereditary neoplastic syndrome. Identifiers: Orphanet 140162, MedGen C0027672, MeSH D009386, MONDO:0015356.

Submissions (2):

Color Diagnostics, LLC DBA Color Health
Classification: Pathogenic for Hereditary cancer-predisposing syndrome. Last evaluated: 2019-09-09. Review status: criteria provided, single submitter. Criteria: ACMG Guidelines, 2015. Collection method: clinical testing. Allele origin: germline.
Comment: This variant changes 1 nucleotide in exon 21 of the BRCA1 gene, creating a premature translation stop signal. This variant is expected to result in an absent or non-functional protein product. Splice site prediction tools suggest that this variant may not impact RNA splicing. To our knowledge, functional studies have not been performed for this variant. This variant has not been reported in individuals affected with hereditary cancer in the literature. This variant has not been identified in the general population by the Genome Aggregation Database (gnomAD). Loss of BRCA1 function is a known mechanism of disease. Based on the available evidence, this variant is classified as Pathogenic.

Brotman Baty Institute, University of Washington
No classification provided (evidence only). Condition: Breast-ovarian cancer, familial 1. Review status: no classification provided. Collection method: in vitro. Allele origin: not applicable. Functional consequence: functionally_abnormal. Not counted in ClinVar's aggregate classification.
ClinVar note: "not provided" was previously submitted as the classification for the variant. However, the classification appeared to be based only on an observation of functional data so it was converted to no classification on 2025-07-30.